The following is an entry in ClinVar:

ClinVar aggregate classification (germline): Uncertain significance (1 of 4 stars; one submission).

Conditions:
Peroxisome biogenesis disorder 11A (Zellweger). Also called: Peroxisome biogenesis disorder 11A. Identifiers: Orphanet 912, MedGen C3554000, MONDO:0013949, OMIM 614883.

Submission:

Labcorp Genetics (formerly Invitae), Labcorp
Classification: Uncertain significance for Peroxisome biogenesis disorder 11A (Zellweger). Last evaluated: 2022-06-13. Review status: criteria provided, single submitter. Criteria: Invitae Variant Classification Sherloc (09022015). Collection method: clinical testing. Allele origin: germline.
Comment: This sequence change replaces asparagine, which is neutral and polar, with lysine, which is basic and polar, at codon 357 of the PEX13 protein (p.Asn357Lys). This variant is not present in population databases (gnomAD no frequency). This variant has not been reported in the literature in individuals affected with PEX13-related conditions. ClinVar contains an entry for this variant (Variation ID: 1007290). Algorithms developed to predict the effect of missense changes on protein structure and function (SIFT, PolyPhen-2, Align-GVGD) all suggest that this variant is likely to be tolerated. In summary, the available evidence is currently insufficient to determine the role of this variant in disease. Therefore, it has been classified as a Variant of Uncertain Significance.

NM_002618.4(PEX13):c.1071C>G (p.Asn357Lys)

Gene: PEX13 (peroxisomal biogenesis factor 13; plus strand). Cytogenetic location: 2p15.
Variant type: single nucleotide variant.
Coding change: c.1071C>G on transcript NM_002618.4 (MANE Select); coding-DNA position 1071, C replaced by G.
Protein change: p.Asn357Lys; replaces asparagine 357 with lysine.
Molecular consequence: missense variant.
Genome position (GRCh38, 1-based): chr2:61,048,629, C>G. VCF-style: chr2-61048629-C-G. GRCh37 (hg19) VCF-style: chr2-61275764-C-G.
Other names: short protein forms N357K.
Identifiers: ClinVar variation 1007290 (VCV001007290.6), dbSNP rs1371570388, ClinGen allele CA346949983.